The following is an entry in ClinVar:

ClinVar aggregate classification (germline): Benign. Review status: criteria provided, multiple submitters, no conflicts (2 of 4 stars). 2 submissions from 2 submitters: Benign (2). Last evaluated 2018-06-16.

Allele frequency attached by ClinVar (database versions not stated): gnomAD exomes 0.04804; 1000 Genomes Project 0.05891; 1000 Genomes Project 30x 0.06340; gnomAD 0.06457 and 0.06637; TOPMed 0.06725.
gnomAD v4.1: 35,452 of 682,188 alleles (5.2%); highest among the groups gnomAD compares: African/African-American, 11%; 1,214 homozygotes.

Submissions (2):

GeneDx
Classification: Benign. Last evaluated: 2018-06-16. Review status: criteria provided, single submitter. Criteria: GeneDx Variant Classification (06012015). Collection method: clinical testing. Allele origin: germline. Affected: yes.
Comment: This variant is considered likely benign or benign based on one or more of the following criteria: it is a conservative change, it occurs at a poorly conserved position in the protein, it is predicted to be benign by multiple in silico algorithms, and/or has population frequency not consistent with disease.

Breakthrough Genomics
Classification: Benign. Review status: criteria provided, single submitter. Criteria: ACMG Guidelines, 2015. Collection method: not provided. Allele origin: germline. Inheritance: Autosomal recessive inheritance. Affected: yes.

NM_004092.4(ECHS1):c.514+147G>A

Gene: ECHS1 (enoyl-CoA hydratase, short chain 1; minus strand). Cytogenetic location: 10q26.3.
Variant type: single nucleotide variant.
Coding change: c.514+147G>A on transcript NM_004092.4 (MANE Select); 147 bases into the intron after coding-DNA position 514, G replaced by A.
Molecular consequence: intron variant.
Genome position (GRCh38, 1-based): chr10:133,368,776, C>T on the plus strand (G>A on the coding strand, the complement: ECHS1 is on the minus strand). VCF-style: chr10-133368776-C-T. GRCh37 (hg19) VCF-style: chr10-135182280-C-T.
Identifiers: ClinVar variation 676306 (VCV000676306.2), dbSNP rs41310326, ClinGen allele CA13234404.